The following is an entry in ClinVar:

ClinVar aggregate classification (germline): Benign/Likely benign. Review status: criteria provided, multiple submitters, no conflicts (2 of 4 stars). 7 submissions from 7 submitters: Benign (1); Likely benign (6). Last evaluated 2025-05-04.

Conditions:
Hereditary cancer-predisposing syndrome. Also called: Neoplastic Syndromes, Hereditary; Hereditary Cancer Syndrome; Tumor predisposition; Hereditary neoplastic syndrome. Identifiers: Orphanet 140162, MedGen C0027672, MeSH D009386, MONDO:0015356.
Lynch syndrome. Identifiers: Orphanet 144, MedGen C4552100, MONDO:0005835. Disease mechanism: loss of function.
Lynch syndrome 4 (LYNCH4). Also called: Hereditary non-polyposis colorectal cancer, type 4; Colorectal cancer, hereditary nonpolyposis, type 4. Identifiers: Orphanet 144, MedGen C1838333, MONDO:0013699, OMIM 614337. Disease mechanism: loss of function.
Hereditary nonpolyposis colorectal neoplasms. Identifiers: MedGen C0009405, MeSH D003123.
Breast and/or ovarian cancer. Identifiers: MedGen CN221562.

Allele frequency attached by ClinVar (database versions not stated): gnomAD 0.00001; gnomAD exomes below 0.00001; TOPMed below 0.00001.
gnomAD v4.1: 7 of 1,612,528 alleles (0.00043%); highest among the groups gnomAD compares: Non-Finnish European, 0.00059%; no homozygotes.

Submissions (7):

Labcorp Genetics (formerly Invitae), Labcorp
Classification: Likely benign for Hereditary nonpolyposis colorectal neoplasms. Last evaluated: 2025-05-04. Review status: criteria provided, single submitter. Criteria: Invitae Variant Classification Sherloc (09022015). Collection method: clinical testing. Allele origin: germline.

Myriad Genetics, Inc.
Classification: Benign for Lynch syndrome 4. Last evaluated: 2025-01-23. Review status: criteria provided, single submitter. Criteria: Myriad Autosomal Dominant, Autosomal Recessive and X-Linked Classification Criteria (2023). Collection method: clinical testing. Allele origin: unknown.
Comment: This variant is considered benign. This variant is a silent/synonymous amino acid change and it is not expected to impact splicing.

All of Us Research Program, National Institutes of Health
Classification: Likely benign for Lynch syndrome. Last evaluated: 2023-11-30. Review status: criteria provided, single submitter. Criteria: ACMG Guidelines, 2015. Collection method: clinical testing. Allele origin: germline. Inheritance: Autosomal dominant inheritance. Observed: 2 variant alleles, 2 heterozygotes.
Comment: This study involves interpretation of variants in research participants for the purpose of population health screening. Participant phenotype was not available at the time of variant classification. Additional details can be found in publication PMID: 35346344, PMCID: PMC8962531

CHEO Genetics Diagnostic Laboratory, Children's Hospital of Eastern Ontario
Classification: Likely benign for Breast and/or ovarian cancer. Last evaluated: 2023-01-25. Review status: criteria provided, single submitter. Criteria: ACMG Guidelines, 2015. Collection method: clinical testing. Allele origin: germline.

Blueprint Genetics
Classification: Likely benign. Last evaluated: 2020-04-28. Review status: criteria provided, single submitter. Criteria: ACMG Guidelines, 2015. Collection method: clinical testing. Allele origin: germline.

Color Diagnostics, LLC DBA Color Health
Classification: Likely benign for Hereditary cancer-predisposing syndrome. Last evaluated: 2016-11-18. Review status: criteria provided, single submitter. Criteria: ACMG Guidelines, 2015. Collection method: clinical testing. Allele origin: germline.

Ambry Genetics
Classification: Likely benign for Hereditary cancer-predisposing syndrome. Last evaluated: 2015-06-30. Review status: criteria provided, single submitter. Criteria: Ambry Variant Classification Scheme 2023. Collection method: clinical testing. Allele origin: germline.

NM_000535.7(PMS2):c.6G>A (p.Glu2=)

Gene: PMS2 (PMS1 homolog 2, mismatch repair system component; minus strand). Cytogenetic location: 7p22.1.
Variant type: single nucleotide variant.
Coding change: c.6G>A on transcript NM_000535.7 (MANE Select); coding-DNA position 6, G replaced by A.
Protein change: p.Glu2=; no amino-acid change (glutamic acid 2 retained).
Molecular consequence: synonymous variant. On other transcripts: 5 prime UTR variant (11), non-coding transcript variant (1).
Genome position (GRCh38, 1-based): chr7:6,009,014, C>T on the plus strand (G>A on the coding strand, the complement: PMS2 is on the minus strand). VCF-style: chr7-6009014-C-T. GRCh37 (hg19) VCF-style: chr7-6048645-C-T.
Other names: c.-395G>A (NM_001322003.2, NM_001322013.2); c.-260G>A (NM_001322004.2, NM_001322010.2); c.-590G>A (NM_001322005.2); c.6G>A, p.Glu2= (NM_001322006.2, NM_001322014.2); c.-210G>A (NM_001322007.2); c.-70G>A (NM_001322008.2); c.-585G>A (NM_001322009.2); c.-879G>A (NM_001322011.2); and 2 more.
Identifiers: ClinVar variation 232746 (VCV000232746.20), dbSNP rs774177383, ClinGen allele CA10578736.